The following is an entry in ClinVar:

NM_000264.5(PTCH1):c.3412C>G (p.Leu1138Val)

Gene: PTCH1 (patched 1; minus strand). Cytogenetic location: 9q22.32.
Variant type: single nucleotide variant.
Coding change: c.3412C>G on transcript NM_000264.5 (MANE Select); coding-DNA position 3412, C replaced by G.
Protein change: p.Leu1138Val; replaces leucine 1138 with valine.
Molecular consequence: missense variant. On other transcripts: non-coding transcript variant (1).
Genome position (GRCh38, 1-based): chr9:95,453,515, G>C on the plus strand (C>G on the coding strand, the complement: PTCH1 is on the minus strand). VCF-style: chr9-95453515-G-C. GRCh37 (hg19) VCF-style: chr9-98215797-G-C.
Other names: c.3412C>G (NM_000264.3); c.3214C>G, p.Leu1072Val (NM_001083602.3); c.3409C>G, p.Leu1137Val (NM_001083603.3); c.2959C>G, p.Leu987Val (NM_001083604.3, NM_001083605.3, NM_001083606.3 and 1 more transcripts); c.3256C>G, p.Leu1086Val (NM_001354918.2); short protein forms L1086V, L1137V, L1138V, L1072V, L987V.
Identifiers: ClinVar variation 1046910 (VCV001046910.10), dbSNP rs1838654825, ClinGen allele CA374111726.

ClinVar aggregate classification (germline): Uncertain significance. Review status: criteria provided, multiple submitters, no conflicts (2 of 4 stars). 2 submissions from 2 submitters: Uncertain significance (2). Last evaluated 2026-09-13.

Conditions:
Gorlin syndrome. Also called: Nevoid Basal Cell Carcinoma Syndrome; Basal cell nevus syndrome. Identifiers: Orphanet 377, MedGen C0004779, MONDO:0007187.
Hereditary cancer-predisposing syndrome. Also called: Tumor predisposition; Hereditary Cancer Syndrome; Hereditary neoplastic syndrome; Neoplastic Syndromes, Hereditary. Identifiers: Orphanet 140162, MedGen C0027672, MeSH D009386, MONDO:0015356.

Submissions (2):

Ambry Genetics
Classification: Uncertain significance for Hereditary cancer-predisposing syndrome. Last evaluated: 2026-09-13. Review status: criteria provided, single submitter. Criteria: Ambry Variant Classification Scheme 2023. Collection method: clinical testing. Allele origin: germline.
Comment: The p.L1138V variant (also known as c.3412C>G), located in coding exon 20 of the PTCH1 gene, results from a C to G substitution at nucleotide position 3412. The leucine at codon 1138 is replaced by valine, an amino acid with highly similar properties. This amino acid position is conserved. In addition, the in silico prediction for this alteration is inconclusive. Based on the available evidence, the clinical significance of this variant remains unclear.

Labcorp Genetics (formerly Invitae), Labcorp
Classification: Uncertain significance for Gorlin syndrome. Last evaluated: 2025-03-31. Review status: criteria provided, single submitter. Criteria: Invitae Variant Classification Sherloc (09022015). Collection method: clinical testing. Allele origin: germline.
Comment: This sequence change replaces leucine, which is neutral and non-polar, with valine, which is neutral and non-polar, at codon 1138 of the PTCH1 protein (p.Leu1138Val). This variant is not present in population databases (gnomAD no frequency). This variant has not been reported in the literature in individuals affected with PTCH1-related conditions. ClinVar contains an entry for this variant (Variation ID: 1046910). Invitae Evidence Modeling of protein sequence and biophysical properties (such as structural, functional, and spatial information, amino acid conservation, physicochemical variation, residue mobility, and thermodynamic stability) has been performed for this missense variant. However, the output from this modeling did not meet the statistical confidence thresholds required to predict the impact of this variant on PTCH1 protein function. In summary, the available evidence is currently insufficient to determine the role of this variant in disease. Therefore, it has been classified as a Variant of Uncertain Significance.